The following is an entry in ClinVar:

ClinVar aggregate classification (germline): Uncertain significance (1 of 4 stars; one submission).

Allele frequency attached by ClinVar (database versions not stated): gnomAD exomes below 0.00001.
gnomAD v4.1: 1 of 1,614,018 alleles (0.000062%); highest among the groups gnomAD compares: Non-Finnish European, 0.000085%; no homozygotes.

Submission:

Labcorp Genetics (formerly Invitae), Labcorp
Classification: Uncertain significance. Last evaluated: 2022-04-30. Review status: criteria provided, single submitter. Criteria: Invitae Variant Classification Sherloc (09022015). Collection method: clinical testing. Allele origin: germline.
Comment: In summary, the available evidence is currently insufficient to determine the role of this variant in disease. Therefore, it has been classified as a Variant of Uncertain Significance. Algorithms developed to predict the effect of missense changes on protein structure and function are either unavailable or do not agree on the potential impact of this missense change (SIFT: "Deleterious"; PolyPhen-2: "Benign"; Align-GVGD: "Class C65"). This sequence change replaces proline, which is neutral and non-polar, with leucine, which is neutral and non-polar, at codon 685 of the LAMB1 protein (p.Pro685Leu). This variant is present in population databases (no rsID available, gnomAD 0.0009%). This variant has not been reported in the literature in individuals affected with LAMB1-related conditions.

NM_002291.3(LAMB1):c.2054C>T (p.Pro685Leu)

Gene: LAMB1 (laminin subunit beta 1; minus strand). Cytogenetic location: 7q31.1.
Variant type: single nucleotide variant.
Coding change: c.2054C>T on transcript NM_002291.3 (MANE Select); coding-DNA position 2054, C replaced by T.
Protein change: p.Pro685Leu; replaces proline 685 with leucine.
Molecular consequence: missense variant.
Genome position (GRCh38, 1-based): chr7:107,961,261, G>A on the plus strand (C>T on the coding strand, the complement: LAMB1 is on the minus strand). VCF-style: chr7-107961261-G-A. GRCh37 (hg19) VCF-style: chr7-107601706-G-A.
Other names: short protein forms P685L.
Identifiers: ClinVar variation 2132143 (VCV002132143.4), dbSNP rs1342878605, ClinGen allele CA368869668.